The following is an entry in ClinVar:

ClinVar aggregate classification (germline): Uncertain significance (1 of 4 stars; one submission).

Conditions:
Hereditary nonpolyposis colorectal neoplasms. Identifiers: MedGen C0009405, MeSH D003123.

Submission:

Labcorp Genetics (formerly Invitae), Labcorp
Classification: Uncertain significance for Hereditary nonpolyposis colorectal neoplasms. Last evaluated: 2023-05-16. Review status: criteria provided, single submitter. Criteria: Invitae Variant Classification Sherloc (09022015). Collection method: clinical testing. Allele origin: germline.
Comment: This variant is not present in population databases (gnomAD no frequency). In summary, the available evidence is currently insufficient to determine the role of this variant in disease. Therefore, it has been classified as a Variant of Uncertain Significance. Advanced modeling of protein sequence and biophysical properties (such as structural, functional, and spatial information, amino acid conservation, physicochemical variation, residue mobility, and thermodynamic stability) performed at Invitae indicates that this missense variant is expected to disrupt PMS2 protein function. This variant has not been reported in the literature in individuals affected with PMS2-related conditions. This sequence change replaces glutamine, which is neutral and polar, with glutamic acid, which is acidic and polar, at codon 237 of the PMS2 protein (p.Gln237Glu).

NM_000535.7(PMS2):c.709C>G (p.Gln237Glu)

Gene: PMS2 (PMS1 homolog 2, mismatch repair system component; minus strand). Cytogenetic location: 7p22.1.
Variant type: single nucleotide variant.
Coding change: c.709C>G on transcript NM_000535.7 (MANE Select); coding-DNA position 709, C replaced by G.
Protein change: p.Gln237Glu; replaces glutamine 237 with glutamic acid.
Molecular consequence: missense variant. On other transcripts: 5 prime UTR variant (2), non-coding transcript variant (1), intron variant (3).
Genome position (GRCh38, 1-based): chr7:5,997,420, G>C on the plus strand (C>G on the coding strand, the complement: PMS2 is on the minus strand). VCF-style: chr7-5997420-G-C. GRCh37 (hg19) VCF-style: chr7-6037051-G-C.
Other names: c.304C>G, p.Gln102Glu (NM_001018040.1, NM_001322003.2, NM_001322004.2 and 20 more transcripts); c.709C>G, p.Gln237Glu (NM_001322006.2, NM_001322014.2, NM_001406870.1 and 3 more transcripts); c.391C>G, p.Gln131Glu (NM_001322007.2, NM_001322008.2, NM_001406876.1 and 4 more transcripts); c.-225C>G (NM_001322011.2, NM_001322012.2); c.136C>G, p.Gln46Glu (NM_001322013.2, NM_001406909.1); c.400C>G, p.Gln134Glu (NM_001322015.2, NM_001406875.1, NM_001406877.1 and 6 more transcripts); c.895C>G, p.Gln299Glu (NM_001406866.1); c.733C>G, p.Gln245Glu (NM_001406868.1); and 7 more; short protein forms Q245E, Q131E, Q134E, Q46E, Q181E, Q237E, Q299E, Q102E.
Identifiers: ClinVar variation 2864936 (VCV002864936.3), dbSNP rs1458321358, ClinGen allele CA366743792.